The following is an entry in ClinVar:

NM_020822.3(KCNT1):c.46G>A (p.Glu16Lys)

Gene: KCNT1 (potassium sodium-activated channel subfamily T member 1; plus strand). Cytogenetic location: 9q34.3.
Variant type: single nucleotide variant.
Coding change: c.46G>A on transcript NM_020822.3 (MANE Select); coding-DNA position 46, G replaced by A.
Protein change: p.Glu16Lys; replaces glutamic acid 16 with lysine.
Molecular consequence: missense variant.
Genome position (GRCh38, 1-based): chr9:135,702,304, G>A. VCF-style: chr9-135702304-G-A. GRCh37 (hg19) VCF-style: chr9-138594150-G-A.
Other names: c.46G>A, p.Glu16Lys (NM_001272003.2); short protein forms E16K.
Identifiers: ClinVar variation 2118048 (VCV002118048.4), dbSNP rs1835063926, ClinGen allele CA375492562.

ClinVar aggregate classification (germline): Uncertain significance (1 of 4 stars; one submission).

Conditions:
Autosomal dominant nocturnal frontal lobe epilepsy 5. Also called: CILIARY DYSKINESIA, PRIMARY, 28, WITHOUT SITUS INVERSUS; CILIARY DYSKINESIA, PRIMARY, 28, WITH SITUS INVERSUS; Epilepsy, nocturnal frontal lobe, 5; KCNT1-Related Epilepsy. Identifiers: Orphanet 98784, MedGen C3554306, MONDO:0014002, OMIM 615005.
Developmental and epileptic encephalopathy, 14 (DEE14). Also called: Early infantile epileptic encephalopathy 14. Identifiers: Orphanet 293181, MedGen C3554195, MONDO:0013989, OMIM 614959.

Allele frequency attached by ClinVar (database versions not stated): gnomAD exomes 0.00003.
gnomAD v4.1: 48 of 1,610,338 alleles (0.003%); highest among the groups gnomAD compares: Non-Finnish European, 0.004%; no homozygotes.

Submission:

Labcorp Genetics (formerly Invitae), Labcorp
Classification: Uncertain significance for Autosomal dominant nocturnal frontal lobe epilepsy 5; Developmental and epileptic encephalopathy, 14. Last evaluated: 2025-12-26. Review status: criteria provided, single submitter. Criteria: Invitae Variant Classification Sherloc (09022015). Collection method: clinical testing. Allele origin: germline.
Comment: This sequence change replaces glutamic acid, which is acidic and polar, with lysine, which is basic and polar, at codon 16 of the KCNT1 protein (p.Glu16Lys). This variant is not present in population databases (gnomAD no frequency). This variant has not been reported in the literature in individuals affected with KCNT1-related conditions. ClinVar contains an entry for this variant (Variation ID: 2118048). Invitae Evidence Modeling of protein sequence and biophysical properties (such as structural, functional, and spatial information, amino acid conservation, physicochemical variation, residue mobility, and thermodynamic stability) indicates that this missense variant is not expected to disrupt KCNT1 protein function with a negative predictive value of 95%. In summary, the available evidence is currently insufficient to determine the role of this variant in disease. Therefore, it has been classified as a Variant of Uncertain Significance.